The following is an entry in ClinVar:

NM_000124.4(ERCC6):c.1527-338del

Gene: ERCC6 (ERCC excision repair 6, chromatin remodeling factor; minus strand). Cytogenetic location: 10q11.23.
Variant type: Deletion.
Coding change: c.1527-338del on transcript NM_000124.4 (MANE Select); 338 bases into the intron before coding-DNA position 1527, one base deleted (T; older notation c.1527-338delT).
Molecular consequence: intron variant.
Genome position (GRCh38, 1-based): chr10:49,501,034, A deleted on the plus strand (T on the coding strand, the reverse complement: ERCC6 is on the minus strand); the first of 6 consecutive A bases (chr10:49,501,034-49,501,039); deleting any one gives the same sequence. VCF-style (leftmost placement, unchanged base first): chr10-49501033-GA-G. GRCh37 (hg19) VCF-style: chr10-50709079-GA-G.
Other names: c.1527-338del (NM_001346440.2).
Identifiers: ClinVar variation 4891125 (VCV004891125.1).

ClinVar aggregate classification (germline): Uncertain significance (1 of 4 stars; one submission).

Submission:

Greenwood Genetic Center Diagnostic Laboratories, Greenwood Genetic Center
Classification: Uncertain significance. Last evaluated: 2026-06-02. Review status: criteria provided, single submitter. Criteria: ACMG Guidelines, 2015. Collection method: clinical testing. Allele origin: germline.
Comment: PM2, BP4